The following is an entry in ClinVar:

ClinVar aggregate classification (germline): Pathogenic (1 of 4 stars; one submission).

Conditions:
Multiple congenital exostosis (EXT). Also called: MULTIPLE CARTILAGINOUS EXOSTOSES; Multiple exostoses; Hereditary multiple exostoses; Hereditary multiple exostosis; Multiple osteochondromas; Hereditary multiple osteochondromas. Identifiers: Orphanet 321, MedGen C0015306, MONDO:0005508, HP:0002762.

Submission:

Labcorp Genetics (formerly Invitae), Labcorp
Classification: Pathogenic for Multiple congenital exostosis. Last evaluated: 2019-09-19. Review status: criteria provided, single submitter. Criteria: Invitae Variant Classification Sherloc (09022015). Collection method: clinical testing. Allele origin: germline.
Comment: This variant has not been reported in the literature in individuals with EXT1-related conditions. For these reasons, this variant has been classified as Pathogenic. Loss-of-function variants in EXT1 are known to be pathogenic (PMID: 10679937, 11391482, 19810120). This variant is not present in population databases (ExAC no frequency). This sequence change creates a premature translational stop signal (p.Asn225Thrfs*27) in the EXT1 gene. It is expected to result in an absent or disrupted protein product.

Literature cited by the submitters: PubMed 10679937; PubMed 11391482; PubMed 19810120.

NM_000127.3(EXT1):c.674del (p.Asn225fs)

Gene: EXT1 (exostosin glycosyltransferase 1; minus strand). Cytogenetic location: 8q24.11.
Variant type: Deletion.
Coding change: c.674del on transcript NM_000127.3 (MANE Select); coding-DNA position 674, one base deleted (A; older notation c.674delA).
Protein change: p.Asn225fs; shifts the reading frame from asparagine 225.
Molecular consequence: frameshift variant.
Genome position (GRCh38, 1-based): chr8:118,110,373, T deleted on the plus strand (A on the coding strand, the reverse complement: EXT1 is on the minus strand); the first of 4 consecutive T bases (chr8:118,110,373-118,110,376); deleting any one gives the same sequence. VCF-style (leftmost placement, unchanged base first): chr8-118110372-GT-G. GRCh37 (hg19) VCF-style: chr8-119122611-GT-G.
Other names: short protein forms N225fs.
Identifiers: ClinVar variation 955580 (VCV000955580.7), dbSNP rs1817873681, ClinGen allele CA1139660746.